The following is an entry in ClinVar:

NM_000414.4(HSD17B4):c.1388T>C (p.Leu463Pro)

Gene: HSD17B4 (hydroxysteroid 17-beta dehydrogenase 4; plus strand). Cytogenetic location: 5q23.1.
Variant type: single nucleotide variant.
Coding change: c.1388T>C on transcript NM_000414.4 (MANE Select); coding-DNA position 1388, T replaced by C.
Protein change: p.Leu463Pro; replaces leucine 463 with proline.
Molecular consequence: missense variant. On other transcripts: non-coding transcript variant (2).
Genome position (GRCh38, 1-based): chr5:119,509,195, T>C. VCF-style: chr5-119509195-T-C. GRCh37 (hg19) VCF-style: chr5-118844890-T-C.
Other names: c.1463T>C, p.Leu488Pro (NM_001199291.3); c.1334T>C, p.Leu445Pro (NM_001199292.2); c.1316T>C, p.Leu439Pro (NM_001292027.2, NM_001374498.1); c.968T>C, p.Leu323Pro (NM_001292028.2); c.1379T>C, p.Leu460Pro (NM_001374497.1); c.1061T>C, p.Leu354Pro (NM_001374499.1); c.947T>C, p.Leu316Pro (NM_001374500.1); c.977T>C, p.Leu326Pro (NM_001374501.1, NM_001374502.1, NM_001374503.1); and 1 more; short protein forms L445P, L463P, L326P, L439P, L488P, L354P, L316P, L323P.
Identifiers: ClinVar variation 1380814 (VCV001380814.9), dbSNP rs2126814342, ClinGen allele CA360868778.

ClinVar aggregate classification (germline): Uncertain significance. Review status: criteria provided, multiple submitters, no conflicts (2 of 4 stars). 2 submissions from 2 submitters: Uncertain significance (2). Last evaluated 2025-12-08.

Conditions:
Perrault syndrome. Also called: Gonadal dysgenesis with auditory dysfunction, autosomal recessive inheritance. Identifiers: Orphanet 2855, MedGen C0685838, MONDO:0017312.
Bifunctional peroxisomal enzyme deficiency (DBIF). Also called: DBP DEFICIENCY; PBFE DEFICIENCY; D-bifunctional protein deficiency. Identifiers: Orphanet 300, MedGen C0342870, MONDO:0009855, OMIM 261515. Disease mechanism: loss of function.
Inborn genetic diseases. Identifiers: MedGen C0950123, MeSH D030342.

Allele frequency attached by ClinVar (database versions not stated): gnomAD exomes 0.00001.
gnomAD v4.1: 12 of 1,611,440 alleles (0.00074%); highest among the groups gnomAD compares: South Asian, 0.0011%; no homozygotes.

Submissions (2):

Ambry Genetics
Classification: Uncertain significance for Inborn genetic diseases. Last evaluated: 2025-12-08. Review status: criteria provided, single submitter. Criteria: Ambry Variant Classification Scheme 2023. Collection method: clinical testing. Allele origin: germline.

Labcorp Genetics (formerly Invitae), Labcorp
Classification: Uncertain significance for Perrault syndrome; Bifunctional peroxisomal enzyme deficiency. Last evaluated: 2024-01-18. Review status: criteria provided, single submitter. Criteria: Invitae Variant Classification Sherloc (09022015). Collection method: clinical testing. Allele origin: germline.
Comment: This sequence change replaces leucine, which is neutral and non-polar, with proline, which is neutral and non-polar, at codon 463 of the HSD17B4 protein (p.Leu463Pro). This variant is not present in population databases (gnomAD no frequency). This variant has not been reported in the literature in individuals affected with HSD17B4-related conditions. ClinVar contains an entry for this variant (Variation ID: 1380814). Advanced modeling of protein sequence and biophysical properties (such as structural, functional, and spatial information, amino acid conservation, physicochemical variation, residue mobility, and thermodynamic stability) has been performed at Invitae for this missense variant, however the output from this modeling did not meet the statistical confidence thresholds required to predict the impact of this variant on HSD17B4 protein function. In summary, the available evidence is currently insufficient to determine the role of this variant in disease. Therefore, it has been classified as a Variant of Uncertain Significance.